The following is an entry in ClinVar:

NM_198578.4(LRRK2):c.5744G>A (p.Arg1915Lys)

Gene: LRRK2 (leucine rich repeat kinase 2; plus strand). Cytogenetic location: 12q12.
Variant type: single nucleotide variant.
Coding change: c.5744G>A on transcript NM_198578.4 (MANE Select); coding-DNA position 5744, G replaced by A.
Protein change: p.Arg1915Lys; replaces arginine 1915 with lysine.
Molecular consequence: missense variant.
Genome position (GRCh38, 1-based): chr12:40,328,447, G>A. VCF-style: chr12-40328447-G-A. GRCh37 (hg19) VCF-style: chr12-40722249-G-A.
Other names: short protein forms R1915K.
Identifiers: ClinVar variation 3229710 (VCV003229710.1), dbSNP rs1225568930, ClinGen allele CA384399794.

ClinVar aggregate classification (germline): Uncertain significance (1 of 4 stars; one submission).

Conditions:
Inborn genetic diseases. Identifiers: MedGen C0950123, MeSH D030342.

Allele frequency attached by ClinVar (database versions not stated): TOPMed below 0.00001; gnomAD 0.00001.
gnomAD v4.1: 1 of 1,609,220 alleles (0.000062%); highest among the groups gnomAD compares: Non-Finnish European, 0.000085%; no homozygotes.

Submission:

Ambry Genetics
Classification: Uncertain significance for Inborn genetic diseases. Last evaluated: 2023-12-20. Review status: criteria provided, single submitter. Criteria: Ambry Variant Classification Scheme 2023. Collection method: clinical testing. Allele origin: germline.
Comment: The p.R1915K variant (also known as c.5744G>A), located in coding exon 39 of the LRRK2 gene, results from a G to A substitution at nucleotide position 5744. The arginine at codon 1915 is replaced by lysine, an amino acid with highly similar properties. This amino acid position is conserved. In addition, the in silico prediction for this alteration is inconclusive. Since supporting evidence is limited at this time, the clinical significance of this alteration remains unclear.